The following is an entry in ClinVar:

ClinVar aggregate classification (germline): Uncertain significance. Review status: criteria provided, multiple submitters, no conflicts (2 of 4 stars). 2 submissions from 2 submitters: Uncertain significance (2). Last evaluated 2025-04-13.

Conditions:
Neutropenia, severe congenital, 1, autosomal dominant. Identifiers: MedGen C1859966, MONDO:0042490, OMIM 202700.
Cyclical neutropenia. Also called: Cyclic Neutropenia; Cyclic hematopoiesis. Identifiers: Orphanet 2686, MedGen C0221023, MONDO:0008090, OMIM 162800, HP:0040289. Disease mechanism: loss of function.
Inborn genetic diseases. Identifiers: MedGen C0950123, MeSH D030342.

Submissions (2):

Ambry Genetics
Classification: Uncertain significance for Inborn genetic diseases. Last evaluated: 2025-04-13. Review status: criteria provided, single submitter. Criteria: Ambry Variant Classification Scheme 2023. Collection method: clinical testing. Allele origin: germline.
Comment: The p.A69T variant (also known as c.205G>A), located in coding exon 2 of the ELANE gene, results from a G to A substitution at nucleotide position 205. The alanine at codon 69 is replaced by threonine, an amino acid with similar properties. This amino acid position is conserved. In addition, this alteration is predicted to be deleterious by in silico analysis. Based on the available evidence, the clinical significance of this variant remains unclear.

Labcorp Genetics (formerly Invitae), Labcorp
Classification: Uncertain significance for Neutropenia, severe congenital, 1, autosomal dominant; Cyclical neutropenia. Last evaluated: 2023-02-16. Review status: criteria provided, single submitter. Criteria: Invitae Variant Classification Sherloc (09022015). Collection method: clinical testing. Allele origin: germline.
Comment: This sequence change replaces alanine, which is neutral and non-polar, with threonine, which is neutral and polar, at codon 69 of the ELANE protein (p.Ala69Thr). This variant is not present in population databases (gnomAD no frequency). This variant has not been reported in the literature in individuals affected with ELANE-related conditions. Advanced modeling of protein sequence and biophysical properties (such as structural, functional, and spatial information, amino acid conservation, physicochemical variation, residue mobility, and thermodynamic stability) performed at Invitae indicates that this missense variant is expected to disrupt ELANE protein function. In summary, the available evidence is currently insufficient to determine the role of this variant in disease. Therefore, it has been classified as a Variant of Uncertain Significance.

NM_001972.4(ELANE):c.205G>A (p.Ala69Thr)

Gene: ELANE (elastase, neutrophil expressed; plus strand). Cytogenetic location: 19p13.3.
Variant type: single nucleotide variant.
Coding change: c.205G>A on transcript NM_001972.4 (MANE Select); coding-DNA position 205, G replaced by A.
Protein change: p.Ala69Thr; replaces alanine 69 with threonine.
Molecular consequence: missense variant.
Genome position (GRCh38, 1-based): chr19:853,013, G>A. VCF-style: chr19-853013-G-A. GRCh37 (hg19) VCF-style: chr19-853013-G-A.
Other names: short protein forms A69T.
Identifiers: ClinVar variation 2930530 (VCV002930530.4), dbSNP rs2512164630, ClinGen allele CA402914901.